The following is an entry in ClinVar:

NM_201253.3(CRB1):c.2505_2508del (p.Pro836fs)

Gene: CRB1 (crumbs cell polarity complex component 1; plus strand). Cytogenetic location: 1q31.3.
Variant type: Deletion.
Coding change: c.2505_2508del on transcript NM_201253.3 (MANE Select); coding-DNA positions 2505 to 2508, 4 bases deleted (ACCT; older notation c.2505_2508delACCT).
Protein change: p.Pro836fs; shifts the reading frame from proline 836.
Molecular consequence: frameshift variant. On other transcripts: non-coding transcript variant (2), intron variant (1).
Genome position (GRCh38, 1-based): chr1:197,427,830-197,427,833, ACCT deleted; deleting any 4 consecutive bases within chr1:197,427,827-197,427,833 gives the same sequence; the c. name uses the placement nearest the transcript's 3' end. VCF-style (leftmost placement, unchanged base first): chr1-197427826-GCCTA-G. GRCh37 (hg19) VCF-style: chr1-197396956-GCCTA-G.
Other names: c.2169_2172del, p.Pro724fs (NM_001193640.2); c.2298_2301del, p.Pro767fs (NM_001257965.2); c.2128+5874_2128+5877del (NM_001257966.2); short protein forms P836fs, P767fs, P724fs.
Identifiers: ClinVar variation 1446299 (VCV001446299.11), dbSNP rs778419716, ClinGen allele CA1312129.

ClinVar aggregate classification (germline): Pathogenic/Likely pathogenic. Review status: criteria provided, multiple submitters, no conflicts (2 of 4 stars). 4 submissions from 4 submitters: Pathogenic (3); Likely pathogenic (1). Last evaluated 2024-10-04.

Conditions:
Leber congenital amaurosis 8 (LCA8). Identifiers: Orphanet 65, MedGen C3151202, MONDO:0013453, OMIM 613835.
CRB1-related disorder. Also called: CRB1-related disorders; CRB1-related condition.
Retinitis pigmentosa 12 (RP12). Also called: RP WITH OR WITHOUT PPRPE; RP WITH OR WITHOUT PRESERVED PARAARTERIOLE RETINAL PIGMENT EPITHELIUM; RETINITIS PIGMENTOSA WITH OR WITHOUT PARAARTERIOLAR PRESERVATION OF RETINAL PIGMENT EPITHELIUM. Identifiers: Orphanet 791, MedGen C1838647, MONDO:0010818, OMIM 600105.

Submissions (4):

Dubai Health Genomic Medicine Center, Dubai Health
Classification: Likely pathogenic for Leber congenital amaurosis 8. Last evaluated: 2024-10-04. Review status: criteria provided, single submitter. Criteria: ACMG Guidelines, 2015. Collection method: research. Allele origin: germline. Affected: yes.
Comment: PVS1,PM2

Baylor Genetics
Classification: Pathogenic for Leber congenital amaurosis 8. Last evaluated: 2023-10-19. Review status: criteria provided, single submitter. Criteria: ACMG Guidelines, 2015. Collection method: clinical testing. Allele origin: unknown.

Labcorp Genetics (formerly Invitae), Labcorp
Classification: Pathogenic for Leber congenital amaurosis 8; Retinitis pigmentosa 12. Last evaluated: 2023-08-08. Review status: criteria provided, single submitter. Criteria: Invitae Variant Classification Sherloc (09022015). Collection method: clinical testing. Allele origin: germline.
Comment: This sequence change creates a premature translational stop signal (p.Pro836Thrfs*19) in the CRB1 gene. It is expected to result in an absent or disrupted protein product. Loss-of-function variants in CRB1 are known to be pathogenic (PMID: 10508521, 22065545, 23379534, 25412400, 26957898, 28041643, 29391521). This variant is present in population databases (rs778419716, gnomAD 0.01%). This premature translational stop signal has been observed in individual(s) with clinical features of retinitis pigmentosa (PMID: 30608181). ClinVar contains an entry for this variant (Variation ID: 1446299). For these reasons, this variant has been classified as Pathogenic.

Blueprint Genetics
Classification: Pathogenic for CRB1-related disorders. Last evaluated: 2020-08-28. Review status: criteria provided, single submitter. Criteria: ACMG Guidelines, 2015. Collection method: clinical testing. Allele origin: germline. Affected: yes. Observed: 1 variant allele.

Literature cited by the submitters: PubMed 10508521 (cited by Labcorp Genetics (formerly Invitae), Labcorp); PubMed 22065545 (cited by Labcorp Genetics (formerly Invitae), Labcorp); PubMed 23379534 (cited by Labcorp Genetics (formerly Invitae), Labcorp); PubMed 25412400 (cited by Labcorp Genetics (formerly Invitae), Labcorp); PubMed 26957898 (cited by Labcorp Genetics (formerly Invitae), Labcorp); PubMed 28041643 (cited by Labcorp Genetics (formerly Invitae), Labcorp); PubMed 29391521 (cited by Labcorp Genetics (formerly Invitae), Labcorp); PubMed 30608181 (cited by Labcorp Genetics (formerly Invitae), Labcorp).